The following is an entry in ClinVar:

ClinVar aggregate classification (germline): Uncertain significance (1 of 4 stars; one submission).

Conditions:
Primary ciliary dyskinesia. Also called: Ciliary dyskinesia. Identifiers: Orphanet 244, MedGen C0008780, MONDO:0016575, HP:0012265.

gnomAD v4.1: 9 of 1,613,996 alleles (0.00056%); highest among the groups gnomAD compares: Non-Finnish European, 0.00051%; no homozygotes.

Submission:

Labcorp Genetics (formerly Invitae), Labcorp
Classification: Uncertain significance for Primary ciliary dyskinesia. Last evaluated: 2021-11-04. Review status: criteria provided, single submitter. Criteria: Invitae Variant Classification Sherloc (09022015). Collection method: clinical testing. Allele origin: germline.
Comment: In summary, the available evidence is currently insufficient to determine the role of this variant in disease. Therefore, it has been classified as a Variant of Uncertain Significance. Algorithms developed to predict the effect of missense changes on protein structure and function are either unavailable or do not agree on the potential impact of this missense change (SIFT: "Tolerated"; PolyPhen-2: "Not Available"; Align-GVGD: "Class C0"). This variant has not been reported in the literature in individuals affected with DNAH8-related conditions. This variant is present in population databases (rs775998449, gnomAD 0.002%). This sequence change replaces arginine, which is basic and polar, with isoleucine, which is neutral and non-polar, at codon 3224 of the DNAH8 protein (p.Arg3224Ile).

NM_001206927.2(DNAH8):c.9671G>T (p.Arg3224Ile)

Genes: DNAH8 (dynein axonemal heavy chain 8; plus strand), DNAH8-AS1 (DNAH8 antisense RNA 1; minus strand). Cytogenetic location: 6p21.2.
Variant type: single nucleotide variant.
Coding change: c.9671G>T on transcript NM_001206927.2 (MANE Select); coding-DNA position 9671, G replaced by T.
Protein change: p.Arg3224Ile; replaces arginine 3224 with isoleucine.
Molecular consequence: missense variant.
Genome position (GRCh38, 1-based): chr6:38,909,675, G>T. VCF-style: chr6-38909675-G-T. GRCh37 (hg19) VCF-style: chr6-38877451-G-T.
Other names: c.9020G>T, p.Arg3007Ile (NM_001371.4); short protein forms R3007I, R3224I.
Identifiers: ClinVar variation 1380542 (VCV001380542.4), dbSNP rs775998449, ClinGen allele CA3790522.
Genomic context (GRCh38, chr6:38,909,675, plus strand): 5'-TTGCTGTGGCCTCCTACTTCCTTTCAGACTATAATATTGTCTGCTCTAGTGAAATTAAAA[G>T]ACAAGTTGTAGAAACAATGGGCCTGTTTCATGACATGGTTTCAGAGAGCTGTGAAAGTTA-3'
Protein context (NP_001193856.1, residues 3214-3234): YNIVCSSEIK[Arg3224Ile]QVVETMGLFH